The following is an entry in ClinVar:

ClinVar aggregate classification (germline): Pathogenic. Review status: criteria provided, multiple submitters, no conflicts (2 of 4 stars). 3 submissions from 3 submitters: Pathogenic (3). Last evaluated 2026-01-05.

Conditions:
Hereditary cancer-predisposing syndrome. Also called: Tumor predisposition; Hereditary Cancer Syndrome; Hereditary neoplastic syndrome; Neoplastic Syndromes, Hereditary. Identifiers: Orphanet 140162, MedGen C0027672, MeSH D009386, MONDO:0015356.
Familial adenomatous polyposis 1 (FAP1). Also called: FAMILIAL ADENOMATOUS POLYPOSIS 1, ATTENUATED; POLYPOSIS, ADENOMATOUS INTESTINAL. Identifiers: MedGen C2713442, MONDO:0021056, OMIM 175100. Disease mechanism: loss of function.

Submissions (3):

Labcorp Genetics (formerly Invitae), Labcorp
Classification: Pathogenic for Familial adenomatous polyposis 1. Last evaluated: 2026-01-05. Review status: criteria provided, single submitter. Criteria: Invitae Variant Classification Sherloc (09022015). Collection method: clinical testing. Allele origin: germline.
Comment: This sequence change creates a premature translational stop signal (p.Ser1201*) in the APC gene. While this is not anticipated to result in nonsense mediated decay, it is expected to disrupt the last 1643 amino acid(s) of the APC protein. This variant is not present in population databases (gnomAD no frequency). This premature translational stop signal has been observed in individual(s) with APC-related conditions (PMID: 11247896, 26681312). ClinVar contains an entry for this variant (Variation ID: 181803). This variant is expected to disrupt the EB1 and HDLG binding sites, which mediate interactions with the cytoskeleton (PMID: 15311282, 17293347). While functional studies have not been performed to directly test the effect on APC protein function, this suggests that disruption of the C-terminal portion of the protein is functionally important. A different truncation (p.Tyr2645Lysfs*14) that lies downstream of this variant has been determined to be pathogenic (PMID: 9824584, 1316610, 27081525, 8381579, 22135120, internal data). This suggests that deletion of this region of the APC protein is causative of disease. For these reasons, this variant has been classified as Pathogenic.

Ambry Genetics
Classification: Pathogenic for Hereditary cancer-predisposing syndrome. Last evaluated: 2021-01-06. Review status: criteria provided, single submitter. Criteria: Ambry Variant Classification Scheme 2023. Collection method: clinical testing. Allele origin: germline.
Comment: The p.S1201* pathogenic mutation (also known as c.3602C>G), located in coding exon 15 of the APC gene, results from a C to G substitution at nucleotide position 3602. This changes the amino acid from a serine to a stop codon within coding exon 15. This alteration occurs at the 3' terminus of theAPC gene, is not expected to trigger nonsense-mediated mRNA decay, and impacts the last 1643 amino acids of the protein. However, premature stop codons are typically deleterious in nature, the impacted region is critical for protein function, and a significant portion of the protein is affected (Ambry internal data). This alteration was identified in 1/680 German FAP families (Friedl W et al. Gut, 2001 Apr;48:515-21) and was also identified in 1/10030 consecutive patients referred for evaluation by an NGS hereditary cancer panel. This one patient was noted to have a history of colon polyps (Susswein LR et al. Genet Med, 2016 08;18:823-32). As such, this alteration is interpreted as a disease-causing mutation.

GeneDx
Classification: Pathogenic. Last evaluated: 2014-08-26. Review status: criteria provided, single submitter. Criteria: GeneDx Variant Classification (06012015). Collection method: clinical testing. Allele origin: germline. Affected: yes.
Comment: This pathogenic variant is denoted APC c.3602C>G at the cDNA level and p.Ser1201Ter (S1201X) at the protein level. The substitution creates a nonsense variant, which changes a Serine to a premature stop codon (TCA>TGA), and is predicted to cause loss of normal protein function through protein truncation. This variant has been reported to affect the CtBP binding domain (Aoki 2007) and has been observed in several individuals with a phenotype consistent with Familial Adenomatous Polyposis (Freidl 2005, Aretz 2004, Freidl 2001) therefore we consider APC Ser1201Ter to be pathogenic.

Literature cited by the submitters: PubMed 11247896 (cited by Labcorp Genetics (formerly Invitae), Labcorp and Ambry Genetics); PubMed 26681312 (cited by Labcorp Genetics (formerly Invitae), Labcorp and Ambry Genetics); PubMed 15311282 (cited by Labcorp Genetics (formerly Invitae), Labcorp); PubMed 17293347 (cited by Labcorp Genetics (formerly Invitae), Labcorp); PubMed 9824584 (cited by Labcorp Genetics (formerly Invitae), Labcorp); PubMed 1316610 (cited by Labcorp Genetics (formerly Invitae), Labcorp); PubMed 27081525 (cited by Labcorp Genetics (formerly Invitae), Labcorp); PubMed 8381579 (cited by Labcorp Genetics (formerly Invitae), Labcorp); PubMed 22135120 (cited by Labcorp Genetics (formerly Invitae), Labcorp).

NM_000038.6(APC):c.3602C>G (p.Ser1201Ter)

Gene: APC (APC regulator of Wnt signaling pathway; plus strand). Cytogenetic location: 5q22.2.
Variant type: single nucleotide variant.
Coding change: c.3602C>G on transcript NM_000038.6 (MANE Select); coding-DNA position 3602, C replaced by G.
Protein change: p.Ser1201Ter; replaces serine 1201 with a stop codon.
Molecular consequence: nonsense.
Genome position (GRCh38, 1-based): chr5:112,839,196, C>G. VCF-style: chr5-112839196-C-G. GRCh37 (hg19) VCF-style: chr5-112174893-C-G.
Other names: p.S1201*:TCA>TGA; c.3602C>G, p.Ser1201Ter (NM_001127510.3, NM_001354895.2); c.3548C>G, p.Ser1183Ter (NM_001127511.3); c.3656C>G, p.Ser1219Ter (NM_001354896.2); c.3632C>G, p.Ser1211Ter (NM_001354897.2); c.3527C>G, p.Ser1176Ter (NM_001354898.2); c.3518C>G, p.Ser1173Ter (NM_001354899.2); c.3479C>G, p.Ser1160Ter (NM_001354900.2); and 6 more; short protein forms S1183*, S1201*, S1142*, S1211*, S1173*, S1075*, S1100*, S1160*.
Identifiers: ClinVar variation 181803 (VCV000181803.5), dbSNP rs730881247, ClinGen allele CA008544.
Genomic context (GRCh38, chr5:112,839,196, plus strand): 5'-TAAAATATGCCACAGATATTCCTTCATCACAGAAACAGTCATTTTCATTCTCAAAGAGTT[C>G]ATCTGGACAAAGCAGTAAAACCGAACATATGTCTTCAAGCAGTGAGAATACGTCCACACC-3'